The following is an entry in ClinVar:

NM_002109.6(HARS1):c.245G>A (p.Arg82His)

Gene: HARS1 (histidyl-tRNA synthetase 1; minus strand). Cytogenetic location: 5q31.3.
Variant type: single nucleotide variant.
Coding change: c.245G>A on transcript NM_002109.6 (MANE Select); coding-DNA position 245, G replaced by A.
Protein change: p.Arg82His; replaces arginine 82 with histidine.
Molecular consequence: missense variant. On other transcripts: intron variant (3).
Genome position (GRCh38, 1-based): chr5:140,683,155, C>T on the plus strand (G>A on the coding strand, the complement: HARS1 is on the minus strand). VCF-style: chr5-140683155-C-T. GRCh37 (hg19) VCF-style: chr5-140062740-C-T.
Other names: c.245G>A, p.Arg82His (NM_001258041.3, NM_001289092.2); c.158G>A, p.Arg53His (NM_001289094.2); c.181-5140G>A (NM_001289093.2); c.181-3272G>A (NM_001258042.3, NM_001258040.3); c.245G>A (NM_002109.3); short protein forms R53H, R82H.
Identifiers: ClinVar variation 1680362 (VCV001680362.10), dbSNP rs747494880, ClinGen allele CA3444155.

ClinVar aggregate classification (germline): Uncertain significance. Review status: criteria provided, multiple submitters, no conflicts (2 of 4 stars). 3 submissions from 3 submitters: Uncertain significance (3). Last evaluated 2025-11-06.

Conditions:
Usher syndrome type 3B. Also called: USHER SYNDROME, TYPE IIIB. Identifiers: MedGen C3281066, MONDO:0013788, OMIM 614504.

Allele frequency attached by ClinVar (database versions not stated): gnomAD 0.00001; gnomAD exomes 0.00001 and 0.00002; ExAC 0.00002; TOPMed 0.00002.

Submissions (3):

Labcorp Genetics (formerly Invitae), Labcorp
Classification: Uncertain significance for Usher syndrome type 3B. Last evaluated: 2025-11-06. Review status: criteria provided, single submitter. Criteria: Invitae Variant Classification Sherloc (09022015). Collection method: clinical testing. Allele origin: germline.
Comment: This sequence change replaces arginine, which is basic and polar, with histidine, which is basic and polar, at codon 82 of the HARS protein (p.Arg82His). This variant is present in population databases (rs747494880, gnomAD 0.007%). This variant has not been reported in the literature in individuals affected with HARS-related conditions. ClinVar contains an entry for this variant (Variation ID: 1680362). Invitae Evidence Modeling of protein sequence and biophysical properties (such as structural, functional, and spatial information, amino acid conservation, physicochemical variation, residue mobility, and thermodynamic stability) indicates that this missense variant is not expected to disrupt HARS protein function with a negative predictive value of 80%. In summary, the available evidence is currently insufficient to determine the role of this variant in disease. Therefore, it has been classified as a Variant of Uncertain Significance.

Ambry Genetics
Classification: Uncertain significance. Last evaluated: 2025-04-12. Review status: criteria provided, single submitter. Criteria: Ambry Variant Classification Scheme 2023. Collection method: clinical testing. Allele origin: germline.

Blueprint Genetics
Classification: Uncertain significance. Last evaluated: 2024-04-30. Review status: criteria provided, single submitter. Criteria: ACMG Guidelines, 2015. Collection method: clinical testing. Allele origin: germline.